The following is an entry in ClinVar:

NM_003640.5(ELP1):c.3101T>A (p.Val1034Glu)

Gene: ELP1 (elongator acetyltransferase complex subunit 1; minus strand). Cytogenetic location: 9q31.3.
Variant type: single nucleotide variant.
Coding change: c.3101T>A on transcript NM_003640.5 (MANE Select); coding-DNA position 3101, T replaced by A.
Protein change: p.Val1034Glu; replaces valine 1034 with glutamic acid.
Molecular consequence: missense variant.
Genome position (GRCh38, 1-based): chr9:108,891,262, A>T on the plus strand (T>A on the coding strand, the complement: ELP1 is on the minus strand). VCF-style: chr9-108891262-A-T. GRCh37 (hg19) VCF-style: chr9-111653542-A-T.
Other names: c.2759T>A, p.Val920Glu (NM_001318360.2); c.2054T>A, p.Val685Glu (NM_001330749.2); short protein forms V1034E, V685E, V920E.
Identifiers: ClinVar variation 2448040 (VCV002448040.2), dbSNP rs146319455, ClinGen allele CA197529965.
Genomic context (GRCh38, chr9:108,891,262, plus strand): 5'-CCTGCCAGAGTTCTGCCGAGGCCCACCAGCTGGTCTTTGGTAAAGTTAAGCTGGGCTGCC[A>T]CACAGAGGGCTTGCTTCCAGTTGCCACATGTCAGAAAGGCTGAGAGAGCTTTCTCGTGGG-3'
Protein context (NP_003631.2, residues 1024-1044): TCGNWKQALC[Val1034Glu]AAQLNFTKDQ

ClinVar aggregate classification (germline): Uncertain significance (1 of 4 stars; one submission).

Allele frequency attached by ClinVar (database versions not stated): ESP Exome Variant Server 0.00008.
gnomAD v4.1: 1 of 1,614,228 alleles (0.000062%); no homozygotes.

Submission:

Ambry Genetics
Classification: Uncertain significance. Last evaluated: 2023-01-15. Review status: criteria provided, single submitter. Criteria: Ambry Variant Classification Scheme 2023. Collection method: clinical testing. Allele origin: germline.
Comment: The p.V1034E variant (also known as c.3101T>A), located in coding exon 27 of the IKBKAP gene, results from a T to A substitution at nucleotide position 3101. The valine at codon 1034 is replaced by glutamic acid, an amino acid with dissimilar properties. This amino acid position is conserved. In addition, the in silico prediction for this alteration is inconclusive. Since supporting evidence is limited at this time, the clinical significance of this alteration remains unclear.